The following is an entry in ClinVar:

ClinVar aggregate classification (germline): Uncertain significance (1 of 4 stars; one submission).

Conditions:
Inborn genetic diseases. Identifiers: MedGen C0950123, MeSH D030342.

gnomAD v4.1: 1 of 1,410,806 alleles (0.000071%); highest among the groups gnomAD compares: Non-Finnish European, 0.000092%; no homozygotes.

Submission:

Ambry Genetics
Classification: Uncertain significance for Inborn genetic diseases. Last evaluated: 2025-05-24. Review status: criteria provided, single submitter. Criteria: Ambry Variant Classification Scheme 2023. Collection method: clinical testing. Allele origin: germline.
Comment: The p.A16G variant (also known as c.47C>G), located in coding exon 1 of the KDM1A gene, results from a C to G substitution at nucleotide position 47. The alanine at codon 16 is replaced by glycine, an amino acid with similar properties. This amino acid position is conserved. In addition, this alteration is predicted to be tolerated by in silico analysis. Based on the available evidence, the clinical significance of this variant remains unclear.

NM_001009999.3(KDM1A):c.47C>G (p.Ala16Gly)

Gene: KDM1A (lysine demethylase 1A; plus strand). Cytogenetic location: 1p36.12.
Variant type: single nucleotide variant.
Coding change: c.47C>G on transcript NM_001009999.3 (MANE Select); coding-DNA position 47, C replaced by G.
Protein change: p.Ala16Gly; replaces alanine 16 with glycine.
Molecular consequence: missense variant.
Genome position (GRCh38, 1-based): chr1:23,019,643, C>G. VCF-style: chr1-23019643-C-G. GRCh37 (hg19) VCF-style: chr1-23346136-C-G.
Other names: c.47C>G, p.Ala16Gly (NM_001363654.2, NM_001410762.1, NM_001410763.1 and 1 more transcripts); short protein forms A16G.
Identifiers: ClinVar variation 4042156 (VCV004042156.1).
Genomic context (GRCh38, chr1:23,019,643, plus strand): 5'-CCCGGCGGCCCGAGATGTTATCTGGGAAGAAGGCGGCAGCCGCGGCGGCGGCGGCTGCAG[C>G]GGCAGCAACCGGGACGGAGGCTGGCCCTGGGACAGCAGGCGGCTCCGAGAACGGGTCTGA-3'
Protein context (NP_001009999.1, residues 6-26): KAAAAAAAAA[Ala16Gly]AATGTEAGPG